The following is an entry in ClinVar:

ClinVar aggregate classification (germline): Pathogenic/Likely pathogenic. Review status: criteria provided, multiple submitters, no conflicts (2 of 4 stars). 2 submissions from 2 submitters: Pathogenic (1); Likely pathogenic (1). Last evaluated 2025-06-29.

Conditions:
Primary ciliary dyskinesia 17. Also called: CILIARY DYSKINESIA, PRIMARY, 17, WITH OR WITHOUT SITUS INVERSUS. Identifiers: Orphanet 244, MedGen C3542550, MONDO:0013854, OMIM 614679.
Primary ciliary dyskinesia. Also called: Ciliary dyskinesia. Identifiers: Orphanet 244, MedGen C0008780, MONDO:0016575, HP:0012265.

Submissions (2):

Labcorp Genetics (formerly Invitae), Labcorp
Classification: Pathogenic for Primary ciliary dyskinesia. Last evaluated: 2025-06-29. Review status: criteria provided, single submitter. Criteria: Invitae Variant Classification Sherloc (09022015). Collection method: clinical testing. Allele origin: germline.
Comment: This sequence change creates a premature translational stop signal (p.Glu189Alafs*18) in the CCDC103 gene. While this is not anticipated to result in nonsense mediated decay, it is expected to disrupt the last 54 amino acid(s) of the CCDC103 protein. This variant is present in population databases (rs746242380, gnomAD 0.007%). This premature translational stop signal has been observed in individual(s) with primary ciliary dyskinesia (internal data). This variant disrupts a region of the CCDC103 protein in which other variant(s) (p.Ser190Argfs*19) have been determined to be pathogenic (internal data). This suggests that this is a clinically significant region of the protein, and that variants that disrupt it are likely to be disease-causing. For these reasons, this variant has been classified as Pathogenic.

Fulgent Genetics
Classification: Likely pathogenic for Primary ciliary dyskinesia 17. Last evaluated: 2024-06-17. Review status: criteria provided, single submitter. Criteria: ACMG Guidelines, 2015. Collection method: clinical testing. Allele origin: germline.

NM_213607.3(DNAAF19):c.566_569del (p.Glu189fs)

Gene: DNAAF19 (dynein axonemal assembly factor 19; plus strand). Cytogenetic location: 17q21.31.
Variant type: Microsatellite.
Coding change: c.566_569del on transcript NM_213607.3 (MANE Select); coding-DNA positions 566 to 569, 4 bases deleted (AGAG; older notation c.566_569delAGAG).
Protein change: p.Glu189fs; shifts the reading frame from glutamic acid 189.
Molecular consequence: frameshift variant. On other transcripts: 3 prime UTR variant (3).
Genome position (GRCh38, 1-based): chr17:44,902,654-44,902,657, AGAG deleted; deleting any 4 consecutive bases within chr17:44,902,646-44,902,657 gives the same sequence; the c. name uses the placement nearest the transcript's 3' end. VCF-style (leftmost placement, unchanged base first): chr17-44902645-CAGAG-C. GRCh37 (hg19) VCF-style: chr17-42980013-CAGAG-C.
Other names: c.566_569del, p.Glu189fs (NM_001258395.2, NM_001258396.2); c.*308AG[4] (NM_001258397.3); c.*247AG[4] (NM_001258398.3, NM_001258399.2); short protein forms E189fs.
Identifiers: ClinVar variation 1451307 (VCV001451307.8), dbSNP rs746242380, ClinGen allele CA8608402.